The following is an entry in ClinVar:

NM_000444.6(PHEX):c.630del (p.Asp211fs)

Gene: PHEX (phosphate regulating endopeptidase X-linked; plus strand). Cytogenetic location: Xp22.11.
Variant type: Deletion.
Coding change: c.630del on transcript NM_000444.6 (MANE Select); coding-DNA position 630, one base deleted (T; older notation c.630delT).
Protein change: p.Asp211fs; shifts the reading frame from aspartic acid 211.
Molecular consequence: frameshift variant.
Genome position (GRCh38, 1-based): chrX:22,077,669, T deleted. VCF-style (leftmost placement, unchanged base first): chrX-22077668-CT-C. GRCh37 (hg19) VCF-style: chrX-22095786-CT-C.
Other names: c.630del, p.Asp211fs (NM_001282754.2); short protein forms D211fs.
Identifiers: ClinVar variation 4737667 (VCV004737667.1).

ClinVar aggregate classification (germline): Pathogenic (1 of 4 stars; one submission).

Submission:

Labcorp Genetics (formerly Invitae), Labcorp
Classification: Pathogenic. Last evaluated: 2025-02-27. Review status: criteria provided, single submitter. Criteria: Invitae Variant Classification Sherloc (09022015). Collection method: clinical testing. Allele origin: germline.
Comment: This sequence change creates a premature translational stop signal (p.Asp211Metfs*10) in the PHEX gene. It is expected to result in an absent or disrupted protein product. Loss-of-function variants in PHEX are known to be pathogenic (PMID: 9097956, 9106524, 19219621). This variant is not present in population databases (gnomAD no frequency). This premature translational stop signal has been observed in individual(s) with hypophosphatemia (PMID: 29460029). For these reasons, this variant has been classified as Pathogenic.

Literature cited by the submitters: PubMed 9097956; PubMed 9106524; PubMed 19219621; PubMed 29460029.